The following is an entry in ClinVar:

NM_024426.6(WT1):c.1445C>T (p.Thr482Ile)

Gene: WT1 (WT1 transcription factor; minus strand). Cytogenetic location: 11p13.
Variant type: single nucleotide variant.
Coding change: c.1445C>T on transcript NM_024426.6 (MANE Select); coding-DNA position 1445, C replaced by T.
Protein change: p.Thr482Ile; replaces threonine 482 with isoleucine.
Molecular consequence: missense variant. On other transcripts: non-coding transcript variant (1), intron variant (9).
Genome position (GRCh38, 1-based): chr11:32,391,974, G>A on the plus strand (C>T on the coding strand, the complement: WT1 is on the minus strand). VCF-style: chr11-32391974-G-A. GRCh37 (hg19) VCF-style: chr11-32413520-G-A.
Other names: c.743C>T, p.Thr248Ile (NM_001198552.2); c.257C>T, p.Thr86Ile (NM_001367854.1); c.1394C>T, p.Thr465Ile (NM_001407045.1); c.1304C>T, p.Thr435Ile (NM_001407048.1); c.1271C>T, p.Thr424Ile (NM_001407050.1); c.683C>T, p.Thr228Ile (NM_001407051.1); c.1226C>T, p.Thr409Ile (NM_001429031.1); c.1175C>T, p.Thr392Ile (NM_001429033.1); and 9 more; short protein forms T228I, T248I, T392I, T409I, T424I, T435I, T465I, T477I.
Identifiers: ClinVar variation 4072222 (VCV004072222.1).
Genomic context (GRCh38, chr11:32,391,974, plus strand): 5'-CATTCCACAATAGTTTAAAAAAATAATGAAAAATAAATGTGAAGAAAAGTTTACGCACTT[G>A]TTTTACCTGTATGAGTCCTGGTGTGGGTCTTCAGGTGGTCGGACCGGGAGAACTTTCGCT-3'
Protein context (NP_077744.4, residues 472-492): KTHTRTHTGK[Thr482Ile]SEKPFSCRWP

ClinVar aggregate classification (germline): Uncertain significance (1 of 4 stars; one submission).

Conditions:
Nephrotic syndrome, type 4 (NPHS4). Also called: Familial mesangial sclerosis; Nephrotic syndrome, early onset with diffuse mesangial sclerosis. Identifiers: Orphanet 656, MedGen C3151568, MONDO:0009733, OMIM 256370.

Submission:

MVZ Medizinische Genetik Mainz
Classification: Uncertain significance for Nephrotic syndrome, type 4. Last evaluated: 2025-06-25. Review status: criteria provided, single submitter. Criteria: UK Practice Guidelines For Variant Classification V4 01 2020. Collection method: clinical testing. Allele origin: germline. Inheritance: Autosomal dominant inheritance. Affected: yes. Observed: 1 variant allele.
Comment: ACMG Criteria: PM1,PM2_SUP,PP3